The following is an entry in ClinVar:

NM_000918.4(P4HB):c.1056+3G>T

Gene: P4HB (prolyl 4-hydroxylase subunit beta; minus strand). Cytogenetic location: 17q25.3.
Variant type: single nucleotide variant.
Coding change: c.1056+3G>T on transcript NM_000918.4 (MANE Select); 3 bases into the intron after coding-DNA position 1056, G replaced by T.
Molecular consequence: intron variant.
Genome position (GRCh38, 1-based): chr17:81,846,426, C>A on the plus strand (G>T on the coding strand, the complement: P4HB is on the minus strand). VCF-style: chr17-81846426-C-A. GRCh37 (hg19) VCF-style: chr17-79804302-C-A.
Identifiers: ClinVar variation 3696129 (VCV003696129.2).
Genomic context (GRCh38, chr17:81,846,426, plus strand): 5'-CCAGAGACCCCAAGGTGGCGGCTCTACCCGGGAGGCAGCCCTGGCCCGGGGACGCGCCTG[C>A]ACCTTGATTTTGCCCTCCAGGAAGCGGTGGCAGAACTCTGTGATCCTCTCTGCCGTCAGC-3'

ClinVar aggregate classification (germline): Uncertain significance (1 of 4 stars; one submission).

Submission:

Labcorp Genetics (formerly Invitae), Labcorp
Classification: Uncertain significance. Last evaluated: 2024-07-25. Review status: criteria provided, single submitter. Criteria: Invitae Variant Classification Sherloc (09022015). Collection method: clinical testing. Allele origin: germline.
Comment: This sequence change falls in intron 7 of the P4HB gene. It does not directly change the encoded amino acid sequence of the P4HB protein. It affects a nucleotide within the consensus splice site. This variant is not present in population databases (gnomAD no frequency). This variant has not been reported in the literature in individuals affected with P4HB-related conditions. Variants that disrupt the consensus splice site are a relatively common cause of aberrant splicing (PMID: 17576681, 9536098). Algorithms developed to predict the effect of sequence changes on RNA splicing suggest that this variant may disrupt the consensus splice site. In summary, the available evidence is currently insufficient to determine the role of this variant in disease. Therefore, it has been classified as a Variant of Uncertain Significance.

Literature cited by the submitters: PubMed 17576681; PubMed 9536098.